The following is an entry in ClinVar:

NM_001807.6(CEL):c.296A>T (p.Asp99Val)

Gene: CEL (carboxyl ester lipase; plus strand). Cytogenetic location: 9q34.13.
Variant type: single nucleotide variant.
Coding change: c.296A>T on transcript NM_001807.6 (MANE Select); coding-DNA position 296, A replaced by T.
Protein change: p.Asp99Val; replaces aspartic acid 99 with valine.
Molecular consequence: missense variant.
Genome position (GRCh38, 1-based): chr9:133,064,718, A>T. VCF-style: chr9-133064718-A-T. GRCh37 (hg19) VCF-style: chr9-135940105-A-T.
Other names: short protein forms D99V.
Identifiers: ClinVar variation 4819032 (VCV004819032.1).

ClinVar aggregate classification (germline): Uncertain significance (1 of 4 stars; one submission).

Conditions:
Maturity-onset diabetes of the young type 8 (MODY8). Also called: DIABETES AND PANCREATIC EXOCRINE DYSFUNCTION; DIABETES-PANCREATIC EXOCRINE DYSFUNCTION SYNDROME. Identifiers: Orphanet 552, MedGen C1853297, MONDO:0012348, OMIM 609812.

Submission:

Victorian Clinical Genetics Services, Murdoch Childrens Research Institute
Classification: Uncertain significance for Maturity-onset diabetes of the young type 8. Last evaluated: 2026-01-15. Review status: criteria provided, single submitter. Criteria: ACMG Guidelines, 2015. Collection method: clinical testing. Allele origin: germline. Affected: yes.
Comment: This variant is classified as VUS-3C. Evidence in support of pathogenic classification: Variant is absent from gnomAD (v2, v3 and v4); Another missense variant comparable to the one identified in this case has limited previous evidence for pathogenicity. p.(Asp99Ala), annotated as p.(Asp102Ala) in this literature report, has been reported in an individual with a diagnosis of MODY and classified as a VUS (PMID: 31595705). - Missense variant predicted to be damaging by in silico tool(s) or highly conserved with a major amino acid change. Additional information: Variant is predicted to result in a missense amino acid change from Asp to Val; This variant is heterozygous; This gene is associated with autosomal dominant disease; Alternative amino acid change(s) at the same position are present in gnomAD (highest allele count: v4: 3 heterozygote(s), 0 homozygote(s)). - This variant has no previous evidence of pathogenicity; No published evidence of segregation with disease has been identified for this variant; No published functional evidence has been identified for this variant; Variant is located in the annotated carboxylesterase domain (DECIPHER); The mechanism of disease for this gene is not clearly established; Inheritance information for this variant is not currently available in this individual.

Literature cited by the submitters: PubMed 31595705.